The following is an entry in ClinVar:

NM_000059.4(BRCA2):c.1365A>G (p.Ser455=)

Gene: BRCA2 (BRCA2 DNA repair associated; plus strand). Cytogenetic location: 13q13.1.
Variant type: single nucleotide variant.
Coding change: c.1365A>G on transcript NM_000059.4 (MANE Select); coding-DNA position 1365, A replaced by G.
Protein change: p.Ser455=; no amino-acid change (serine 455 retained).
Molecular consequence: synonymous variant.
Genome position (GRCh38, 1-based): chr13:32,332,843, A>G. VCF-style: chr13-32332843-A-G. GRCh37 (hg19) VCF-style: chr13-32906980-A-G.
Other names: 1593A/G; p.S455S:TCA>TCG; S455S; 1593 A>G; NP_000050.3:p.Ser455=; 1593A>G.
Identifiers: ClinVar variation 125943 (VCV000125943.95), dbSNP rs1801439, ClinGen allele CA011778.

ClinVar aggregate classification (germline): Benign. Review status: reviewed by expert panel (3 of 4 stars). 34 submissions from 32 submitters: Benign (1). 33 of the submissions do not count toward it. Last evaluated 2015-01-12.

Conditions:
Hereditary cancer-predisposing syndrome. Also called: Hereditary neoplastic syndrome; Tumor predisposition; Neoplastic Syndromes, Hereditary; Hereditary Cancer Syndrome. Identifiers: Orphanet 140162, MedGen C0027672, MeSH D009386, MONDO:0015356.
Hereditary breast ovarian cancer syndrome. Also called: Hereditary breast and ovarian cancer syndrome; Breast and ovarian cancer; Hereditary breast and ovarian cancer syndrome (HBOC); BRCA1- and BRCA2-Associated Hereditary Breast and Ovarian Cancer; Hereditary breast and ovarian cancer; Hereditary breast and/or ovarian cancer syndrome. Identifiers: Orphanet 145, MedGen C0677776, MeSH D061325, MONDO:0003582. Disease mechanism: loss of function.
Breast-ovarian cancer, familial, susceptibility to, 2 (BROVCA2). Also called: BRCA2 Hereditary Breast and Ovarian Cancer. Identifiers: Orphanet 145, MedGen C2675520, MONDO:0012933, OMIM 612555. Disease mechanism: loss of function.
Fanconi anemia complementation group D1. Also called: BRCA2-Related Fanconi Anemia. Identifiers: Orphanet 319462, MedGen C1838457, MONDO:0011584, OMIM 605724.
Familial cancer of breast. Also called: hereditary breast carcinoma; Hereditary breast cancer; BREAST CANCER, FAMILIAL. Identifiers: Orphanet 227535, MedGen C0346153, MONDO:0016419, OMIM 114480. Disease mechanism: loss of function.

Allele frequency attached by ClinVar (database versions not stated): ESP Exome Variant Server 0.03101; gnomAD 0.03688 and 0.04091; gnomAD exomes 0.04191 and 0.05231; TOPMed 0.04224; ExAC 0.05178; 1000 Genomes Project 0.07368; 1000 Genomes Project 30x 0.07386.
gnomAD v4.1: 67,606 of 1,611,544 alleles (4.2%); highest among the groups gnomAD compares: East Asian, 12%; 2,184 homozygotes.

Submissions 1 to 22 of 34:

Evidence-based Network for the Interpretation of Germline Mutant Alleles (ENIGMA)
Classification: Benign for Breast-ovarian cancer, familial 2. Last evaluated: 2015-01-12. Review status: reviewed by expert panel. Criteria: ENIGMA BRCA1/2 Classification Criteria (2015). Collection method: curation. Allele origin: germline.
Comment: Class 1 not pathogenic based on frequency >1% in an outbred sampleset. Frequency 0.1049 (Asian), 0.01423 (African), 0.03694 (European), derived from 1000 genomes (2012-04-30).

Labcorp Genetics (formerly Invitae), Labcorp
Classification: Benign for Hereditary breast ovarian cancer syndrome. Last evaluated: 2026-02-04. Review status: criteria provided, single submitter. Criteria: Invitae Variant Classification Sherloc (09022015). Collection method: clinical testing. Allele origin: germline. Not counted in ClinVar's aggregate classification.

ARUP Laboratories, Molecular Genetics and Genomics, ARUP Laboratories
Classification: Benign. Last evaluated: 2025-07-31. Review status: criteria provided, single submitter. Criteria: ARUP Molecular Germline Variant Investigation Process 2024. Collection method: clinical testing. Allele origin: germline. Not counted in ClinVar's aggregate classification.

Center for Genomic Medicine, Rigshospitalet, Copenhagen University Hospital
Classification: Benign. Last evaluated: 2025-03-04. Review status: criteria provided, single submitter. Criteria: ACMG Guidelines, 2015. Collection method: clinical testing. Allele origin: germline. Not counted in ClinVar's aggregate classification.

KCCC/NGS Laboratory, Kuwait Cancer Control Center
Classification: Benign for Familial cancer of breast. Last evaluated: 2025-02-01. Review status: criteria provided, single submitter. Criteria: ACMG Guidelines, 2015. Collection method: clinical testing. Allele origin: germline. Affected: no. Not counted in ClinVar's aggregate classification.

Blueprint Genetics
Classification: Benign. Last evaluated: 2024-11-27. Review status: criteria provided, single submitter. Criteria: ACMG Guidelines, 2015. Collection method: clinical testing. Allele origin: germline. Not counted in ClinVar's aggregate classification.

KCCC/NGS Laboratory, Kuwait Cancer Control Center
Classification: Benign for Breast-ovarian cancer, familial, susceptibility to, 2. Last evaluated: 2023-07-07. Review status: criteria provided, single submitter. Criteria: ACMG Guidelines, 2015. Collection method: clinical testing. Allele origin: germline. Affected: yes. Not counted in ClinVar's aggregate classification.

National Health Laboratory Service, Universitas Academic Hospital and University of the Free State
Classification: Benign for Hereditary breast ovarian cancer syndrome. Last evaluated: 2022-04-19. Review status: criteria provided, single submitter. Criteria: ACMG Guidelines, 2015. Collection method: clinical testing. Allele origin: germline. Affected: yes. Observed: 81 variant alleles. Not counted in ClinVar's aggregate classification.

Genetics Program, Instituto Nacional de Cancer
Classification: Benign for Hereditary breast ovarian cancer syndrome. Last evaluated: 2021-11-01. Review status: criteria provided, single submitter. Criteria: ACMG Guidelines, 2015. Collection method: research. Allele origin: germline. Affected: yes. Not counted in ClinVar's aggregate classification.

Ambry Genetics
Classification: Benign for Hereditary cancer-predisposing syndrome. Last evaluated: 2019-05-07. Review status: criteria provided, single submitter. Criteria: Ambry Variant Classification Scheme 2023. Collection method: clinical testing. Allele origin: germline. Not counted in ClinVar's aggregate classification.

Illumina Laboratory Services, Illumina
Classification: Benign for Breast-ovarian cancer, familial, susceptibility to, 2. Last evaluated: 2018-01-12. Review status: criteria provided, single submitter. Criteria: ICSL Variant Classification Criteria 13 December 2019. Collection method: clinical testing. Allele origin: germline. Not counted in ClinVar's aggregate classification.
Comment: This variant was observed in the ICSL laboratory as part of a predisposition screen in an ostensibly healthy population. It had not been previously curated by ICSL or reported in the Human Gene Mutation Database (HGMD: prior to June 1st, 2018), and was therefore a candidate for classification through an automated scoring system. Utilizing variant allele frequency, disease prevalence and penetrance estimates, and inheritance mode, an automated score was calculated to assess if this variant is too frequent to cause the disease. Based on the score and internal cut-off values, a variant classified as benign is not then subjected to further curation. The score for this variant resulted in a classification of benign for this disease.

Illumina Laboratory Services, Illumina
Classification: Benign for Fanconi anemia complementation group D1. Last evaluated: 2018-01-12. Review status: criteria provided, single submitter. Criteria: ICSL Variant Classification Criteria 13 December 2019. Collection method: clinical testing. Allele origin: germline. Not counted in ClinVar's aggregate classification.
Comment: the same text as in the submission from Illumina Laboratory Services, Illumina above.

GeneKor MSA
Classification: Benign. Last evaluated: 2017-11-01. Review status: criteria provided, single submitter. Criteria: ACMG Guidelines, 2015. Collection method: clinical testing. Allele origin: germline. Affected: yes. Not counted in ClinVar's aggregate classification.

Cancer Genetics and Genomics Laboratory, British Columbia Cancer Agency
Classification: Benign. Last evaluated: 2017-04-18. Review status: criteria provided, single submitter. Criteria: ACMG Guidelines, 2015. Collection method: clinical testing. Allele origin: germline. Study: The Canadian Open Genetics Repository (COGR). Not counted in ClinVar's aggregate classification.

Baylor Genetics
Classification: Benign for Familial cancer of breast. Last evaluated: 2017-02-23. Review status: criteria provided, single submitter. Criteria: ACMG Guidelines, 2015. Collection method: clinical testing. Allele origin: germline. Inheritance: Autosomal dominant inheritance. Affected: no. Not counted in ClinVar's aggregate classification.

Clinical Genetics DNA and cytogenetics Diagnostics Lab, Erasmus MC, Erasmus Medical Center
Classification: Benign for Breast-ovarian cancer, familial, susceptibility to, 2. Last evaluated: 2015-09-21. Review status: criteria provided, single submitter. Criteria: ACGS Guidelines, 2013. Collection method: clinical testing. Allele origin: germline. Affected: yes. Study: VKGL Data-share Consensus. Not counted in ClinVar's aggregate classification.

Eurofins Ntd Llc (ga)
Classification: Benign. Last evaluated: 2015-06-30. Review status: criteria provided, single submitter. Criteria: EGL Classification Definitions 2015. Collection method: clinical testing. Allele origin: germline. Observed: 47 variant alleles, 46 heterozygotes, 1 homozygote. Not counted in ClinVar's aggregate classification.

Color Diagnostics, LLC DBA Color Health
Classification: Benign for Hereditary cancer-predisposing syndrome. Last evaluated: 2015-03-31. Review status: criteria provided, single submitter. Criteria: ACMG Guidelines, 2015. Collection method: clinical testing. Allele origin: germline. Not counted in ClinVar's aggregate classification.

Molecular Genetics Laboratory, University of Michigan
Classification: Benign for Breast-ovarian cancer, familial, susceptibility to, 2. Last evaluated: 2014-11-03. Review status: criteria provided, single submitter. Criteria: ACMG Guidelines, 2015. Collection method: clinical testing. Allele origin: germline. Affected: yes. Not counted in ClinVar's aggregate classification.

Genome Diagnostics Laboratory, University Medical Center Utrecht
Classification: Benign for Breast-ovarian cancer, familial, susceptibility to, 2. Last evaluated: 2014-10-10. Review status: criteria provided, single submitter. Criteria: ACGS Guidelines, 2013. Collection method: clinical testing. Allele origin: germline. Affected: yes. Study: VKGL Data-share Consensus. Not counted in ClinVar's aggregate classification.

Women's Health and Genetics/Laboratory Corporation of America, LabCorp
Classification: Benign for Hereditary breast ovarian cancer syndrome. Last evaluated: 2014-01-13. Review status: criteria provided, single submitter. Criteria: LabCorp Variant Classification Summary - May 2015. Collection method: clinical testing. Allele origin: germline. Not counted in ClinVar's aggregate classification.

GeneDx
Classification: Benign. Last evaluated: 2013-09-27. Review status: criteria provided, single submitter. Criteria: GeneDx Variant Classification (06012015). Collection method: clinical testing. Allele origin: germline. Affected: yes. Not counted in ClinVar's aggregate classification.
Comment: This variant is considered likely benign or benign based on one or more of the following criteria: it is a conservative change, it occurs at a poorly conserved position in the protein, it is predicted to be benign by multiple in silico algorithms, and/or has population frequency not consistent with disease.